The following is an entry in ClinVar:

NM_032813.5(TMTC4):c.2020A>G (p.Met674Val)

Gene: TMTC4 (transmembrane O-mannosyltransferase targeting cadherins 4; minus strand). Cytogenetic location: 13q32.3.
Variant type: single nucleotide variant.
Coding change: c.2020A>G on transcript NM_032813.5 (MANE Select); coding-DNA position 2020, A replaced by G.
Protein change: p.Met674Val; replaces methionine 674 with valine.
Molecular consequence: missense variant. On other transcripts: non-coding transcript variant (1).
Genome position (GRCh38, 1-based): chr13:100,612,442, T>C on the plus strand (A>G on the coding strand, the complement: TMTC4 is on the minus strand). VCF-style: chr13-100612442-T-C. GRCh37 (hg19) VCF-style: chr13-101264696-T-C.
Other names: c.1963A>G, p.Met655Val (NM_001079669.4, NM_001350572.2); c.1630A>G, p.Met544Val (NM_001286453.3); c.2194A>G, p.Met732Val (NM_001350571.2); c.2137A>G, p.Met713Val (NM_001350574.2); c.2014A>G, p.Met672Val (NM_001350576.2); c.1957A>G, p.Met653Val (NM_001350577.2); c.2194A>G (NM_001350571.1); short protein forms M674V, M713V, M544V, M653V, M655V, M672V, M732V.
Identifiers: ClinVar variation 2344844 (VCV002344844.4), dbSNP rs144940475, ClinGen allele CA7034088.

ClinVar aggregate classification (germline): Uncertain significance. Review status: criteria provided, multiple submitters, no conflicts (2 of 4 stars). 2 submissions from 2 submitters: Uncertain significance (2). Last evaluated 2025-10-07.

Conditions:
TMTC4-related condition.

Allele frequency attached by ClinVar (database versions not stated): gnomAD 0.00040; TOPMed 0.00042; 1000 Genomes Project 30x 0.00047; ESP Exome Variant Server 0.00054; gnomAD exomes 0.00012; ExAC 0.00021; 1000 Genomes Project 0.00040.
gnomAD v4.1: 237 of 1,611,072 alleles (0.015%); highest among the groups gnomAD compares: African/African-American, 0.11%; no homozygotes.

Submissions (2):

PreventionGenetics, part of Exact Sciences
Classification: Uncertain significance for TMTC4-related condition. Last evaluated: 2025-10-07. Review status: criteria provided, single submitter. Criteria: ACMG Guidelines, 2015. Collection method: clinical testing. Allele origin: germline.
Comment: The TMTC4 c.2194A>G variant is predicted to result in the amino acid substitution p.Met732Val. To our knowledge, this variant has not been reported in the literature. This variant is reported in 0.10% of alleles in individuals of African descent in gnomAD. Although we suspect that this variant may be benign, at this time, the clinical significance of this variant is uncertain due to the absence of conclusive functional and genetic evidence.

Ambry Genetics
Classification: Uncertain significance. Last evaluated: 2025-03-08. Review status: criteria provided, single submitter. Criteria: Ambry Variant Classification Scheme 2023. Collection method: clinical testing. Allele origin: germline.